The following is an entry in ClinVar:

NM_001365951.3(KIF1B):c.4367-3T>C

Gene: KIF1B (kinesin family member 1B; plus strand). Cytogenetic location: 1p36.22.
Variant type: single nucleotide variant.
Coding change: c.4367-3T>C on transcript NM_001365951.3 (MANE Select); 3 bases into the intron before coding-DNA position 4367, T replaced by C.
Molecular consequence: intron variant.
Genome position (GRCh38, 1-based): chr1:10,365,097, T>C. VCF-style: chr1-10365097-T-C. GRCh37 (hg19) VCF-style: chr1-10425155-T-C.
Other names: c.4229-3T>C (NM_015074.3); c.4367-3T>C (NM_001365952.1).
Identifiers: ClinVar variation 2448708 (VCV002448708.2), dbSNP rs2521910862, ClinGen allele CA2580060463.

ClinVar aggregate classification (germline): Uncertain significance (1 of 4 stars; one submission).

Submission:

Ambry Genetics
Classification: Uncertain significance. Last evaluated: 2022-12-01. Review status: criteria provided, single submitter. Criteria: Ambry Variant Classification Scheme 2023. Collection method: clinical testing. Allele origin: germline.
Comment: The c.4229-3T>C intronic variant results from a T to C substitution 3 nucleotides upstream from coding exon 39 in the KIF1B gene. This nucleotide position is not well conserved in available vertebrate species. In silico splice site analysis predicts that this alteration will not have any significant effect on splicing. The evidence for this gene-disease relationship is limited; therefore, the clinical significance of this alteration is unclear.